The following is an entry in ClinVar:

NM_004329.3(BMPR1A):c.782A>G (p.Lys261Arg)

Gene: BMPR1A (bone morphogenetic protein receptor type 1A; plus strand). Cytogenetic location: 10q23.2.
Variant type: single nucleotide variant.
Coding change: c.782A>G on transcript NM_004329.3 (MANE Select); coding-DNA position 782, A replaced by G.
Protein change: p.Lys261Arg; replaces lysine 261 with arginine.
Molecular consequence: missense variant. On other transcripts: non-coding transcript variant (3).
Genome position (GRCh38, 1-based): chr10:86,917,240, A>G. VCF-style: chr10-86917240-A-G. GRCh37 (hg19) VCF-style: chr10-88676997-A-G.
Other names: c.782A>G, p.Lys261Arg (NM_001406578.1, NM_001406579.1, NM_001406580.1 and 19 more transcripts); c.776A>G, p.Lys259Arg (NM_001406583.1); c.698A>G, p.Lys233Arg (NM_001406584.1, NM_001406585.1, NM_001406586.1 and 2 more transcripts); c.440A>G, p.Lys147Arg (NM_001406589.1); c.857A>G, p.Lys286Arg (NM_001406559.1); c.830A>G, p.Lys277Arg (NM_001406560.1); short protein forms K147R, K277R, K233R, K259R, K261R, K286R.
Identifiers: ClinVar variation 5032947 (VCV005032947.1).

ClinVar aggregate classification (germline): Uncertain significance (1 of 4 stars; one submission).

Conditions:
Hereditary cancer-predisposing syndrome. Also called: Neoplastic Syndromes, Hereditary; Tumor predisposition; Hereditary neoplastic syndrome; Hereditary Cancer Syndrome. Identifiers: Orphanet 140162, MedGen C0027672, MeSH D009386, MONDO:0015356.

gnomAD v4.1: 1 of 1,613,960 alleles (0.000062%); highest among the groups gnomAD compares: Middle Eastern, 0.016%; no homozygotes.

Submission:

Ambry Genetics
Classification: Uncertain significance for Hereditary cancer-predisposing syndrome. Last evaluated: 2026-06-22. Review status: criteria provided, single submitter. Criteria: Ambry Variant Classification Scheme 2023. Collection method: clinical testing. Allele origin: germline.
Comment: The p.K261R variant (also known as c.782A>G), located in coding exon 7 of the BMPR1A gene, results from an A to G substitution at nucleotide position 782. The lysine at codon 261 is replaced by arginine, an amino acid with highly similar properties. This amino acid position is highly conserved in available vertebrate species. In addition, this alteration is predicted to be deleterious by in silico analysis. Based on the available evidence, the clinical significance of this variant remains unclear.